The following is an entry in ClinVar:

ClinVar aggregate classification (germline): Uncertain significance (1 of 4 stars; one submission).

Conditions:
Hereditary cancer-predisposing syndrome. Also called: Neoplastic Syndromes, Hereditary; Tumor predisposition; Hereditary Cancer Syndrome; Hereditary neoplastic syndrome. Identifiers: Orphanet 140162, MedGen C0027672, MeSH D009386, MONDO:0015356.

Submission:

Ambry Genetics
Classification: Uncertain significance for Hereditary cancer-predisposing syndrome. Last evaluated: 2022-06-15. Review status: criteria provided, single submitter. Criteria: Ambry Variant Classification Scheme 2023. Collection method: clinical testing. Allele origin: germline.
Comment: The p.H2455Q variant (also known as c.7365T>A), located in coding exon 13 of the BRCA2 gene, results from a T to A substitution at nucleotide position 7365. The histidine at codon 2455 is replaced by glutamine, an amino acid with highly similar properties. This amino acid position is conserved. In addition, this alteration is predicted to be tolerated by in silico analysis. Since supporting evidence is limited at this time, the clinical significance of this alteration remains unclear.

NM_000059.4(BRCA2):c.7365T>A (p.His2455Gln)

Gene: BRCA2 (BRCA2 DNA repair associated; plus strand). Cytogenetic location: 13q13.1.
Variant type: single nucleotide variant.
Coding change: c.7365T>A on transcript NM_000059.4 (MANE Select); coding-DNA position 7365, T replaced by A.
Protein change: p.His2455Gln; replaces histidine 2455 with glutamine.
Molecular consequence: missense variant.
Genome position (GRCh38, 1-based): chr13:32,355,218, T>A. VCF-style: chr13-32355218-T-A. GRCh37 (hg19) VCF-style: chr13-32929355-T-A.
Other names: c.7269T>A, p.His2423Gln (NM_001406719.1); c.7365T>A, p.His2455Gln (NM_001406720.1); c.2433T>A, p.His811Gln (NM_001406721.1); c.948T>A, p.His316Gln (NM_001406722.1); short protein forms H2423Q, H316Q, H811Q, H2455Q.
Identifiers: ClinVar variation 1758528 (VCV001758528.2), dbSNP rs2137558419, ClinGen allele CA387741522.